The following is an entry in ClinVar:

NC_000023.11:g.(?_31609621)_(31627872_?)dup

Gene: DMD (dystrophin; minus strand). Cytogenetic location: Xp21.1.
Variant type: Duplication.
Identifiers: ClinVar variation 831818 (VCV000831818.1).

ClinVar aggregate classification (germline): Likely pathogenic (1 of 4 stars; one submission).

Conditions:
Duchenne muscular dystrophy (DMD). Also called: Duchenne Muscular Dystrophy (DMD); MUSCULAR DYSTROPHY, PSEUDOHYPERTROPHIC PROGRESSIVE, DUCHENNE TYPE. Identifiers: Orphanet 98896, MedGen C0013264, MONDO:0010679, OMIM 310200.

Submission:

Labcorp Genetics (formerly Invitae), Labcorp
Classification: Likely pathogenic for Duchenne muscular dystrophy. Last evaluated: 2019-10-11. Review status: criteria provided, single submitter. Criteria: Invitae Variant Classification Sherloc (09022015). Collection method: clinical testing. Allele origin: germline.
Comment: This variant results in a copy number gain of the genomic region encompassing exons 55 of the DMD gene. While the exact position of this variant cannot be determined from this data, sub-genic copy number gains are generally in tandem (PMID: 25640679) and may result in an absent or disrupted protein product. This variant has been observed in an individual affected with Duchenne muscular dystrophy (PMID: 18853462). Loss-of-function variants in DMD are known to be pathogenic (PMID: 16770791, 25007885). In summary, the currently available evidence indicates that the variant is pathogenic, but additional data are needed to prove that conclusively. Therefore, this variant has been classified as Likely Pathogenic.

Literature cited by the submitters: PubMed 18853462.